The following is an entry in ClinVar:

ClinVar aggregate classification (germline): Uncertain significance (1 of 4 stars; one submission).

Submission:

GeneDx
Classification: Uncertain significance. Last evaluated: 2025-05-12. Review status: criteria provided, single submitter. Criteria: GeneDx Variant Classification Process June 2021. Collection method: clinical testing. Allele origin: germline. Affected: yes.
Comment: In-frame deletion of 11 amino acids and insertion of 2 different amino acids in a non-repeat region; Not observed at significant frequency in large population cohorts (gnomAD); Has not been previously published as pathogenic or benign to our knowledge

NM_001394372.1(BICRA):c.2992_3023delinsCCTGT (p.Ser998_Gly1008delinsProVal)

Gene: BICRA (BRD4 interacting chromatin remodeling complex associated protein; plus strand). Cytogenetic location: 19q13.33.
Variant type: Indel.
Coding change: c.2992_3023delinsCCTGT on transcript NM_001394372.1 (MANE Select); coding-DNA positions 2992 to 3023, the reference bases replaced by CCTGT.
Protein change: p.Ser998_Gly1008delinsProVal.
Molecular consequence: inframe indel.
Genome position (GRCh38, 1-based): chr19:47,694,996-47,695,027, 32 bases replaced. GRCh37 (hg19): chr19:48,198,253-48,198,284.
Other names: c.2992_3023delinsCCTGT, p.Ser998_Gly1008delinsProVal (NM_015711.3).
Identifiers: ClinVar variation 4529958 (VCV004529958.1).